The following is an entry in ClinVar:

NM_001829.4(CLCN3):c.1779G>A (p.Leu593=)

Gene: CLCN3 (Cl-/H+ antiporter 3; plus strand). Cytogenetic location: 4q33.
Variant type: single nucleotide variant.
Coding change: c.1779G>A on transcript NM_001829.4 (MANE Select); coding-DNA position 1779, G replaced by A.
Protein change: p.Leu593=; no amino-acid change (leucine 593 retained).
Molecular consequence: synonymous variant.
Genome position (GRCh38, 1-based): chr4:169,706,896, G>A. VCF-style: chr4-169706896-G-A. GRCh37 (hg19) VCF-style: chr4-170628047-G-A.
Other names: c.1698G>A, p.Leu566= (NM_001243372.2, NM_001243374.2); c.1779G>A, p.Leu593= (NM_173872.4).
Identifiers: ClinVar variation 2655186 (VCV002655186.24), dbSNP rs144967578, ClinGen allele CA3138531.
Genomic context (GRCh38, chr4:169,706,896, plus strand): 5'-CTTCCTGACCAGTGGGTGCTTACTTTTTTCAGGTGGTGTGACAAGAATGACTGTCTCCCT[G>A]GTGGTTATTGTTTTTGAGCTTACTGGAGGCTTGGAATATATTGTTCCCCTTATGGCTGCA-3'
Protein context (NP_001820.2, residues 583-603): LGGVTRMTVS[Leu593=]VVIVFELTGG

ClinVar aggregate classification (germline): Likely benign (1 of 4 stars; one submission).

Allele frequency attached by ClinVar (database versions not stated): gnomAD 0.00003; ExAC 0.00005; TOPMed 0.00005; ESP Exome Variant Server 0.00015; gnomAD exomes 0.00018.
gnomAD v4.1: 276 of 1,613,524 alleles (0.017%); highest among the groups gnomAD compares: Non-Finnish European, 0.022%; no homozygotes.

Submission:

CeGaT Center for Human Genetics Tuebingen
Classification: Likely benign. Last evaluated: 2022-09-01. Review status: criteria provided, single submitter. Criteria: CeGaT Center For Human Genetics Tuebingen Variant Classification Criteria Version 2. Collection method: clinical testing. Allele origin: germline. Affected: yes. Observed: 1 variant allele.
Comment: CLCN3: BP4, BP7